The following is an entry in ClinVar:

ClinVar aggregate classification (germline): Uncertain significance (1 of 4 stars; one submission).

Submission:

Ambry Genetics
Classification: Uncertain significance. Last evaluated: 2025-03-24. Review status: criteria provided, single submitter. Criteria: Ambry Variant Classification Scheme 2023. Collection method: clinical testing. Allele origin: germline.
Comment: The p.A774D variant (also known as c.2321C>A), located in coding exon 13 of the GEN1 gene, results from a C to A substitution at nucleotide position 2321. The alanine at codon 774 is replaced by aspartic acid, an amino acid with dissimilar properties. This amino acid position is conserved. In addition, this alteration is predicted to be tolerated by in silico analysis. Based on the available evidence, the clinical significance of this variant remains unclear.

NM_001130009.3(GEN1):c.2321C>A (p.Ala774Asp)

Gene: GEN1 (GEN1 Holliday junction 5' flap endonuclease; plus strand). Cytogenetic location: 2p24.2.
Variant type: single nucleotide variant.
Coding change: c.2321C>A on transcript NM_001130009.3 (MANE Select); coding-DNA position 2321, C replaced by A.
Protein change: p.Ala774Asp; replaces alanine 774 with aspartic acid.
Molecular consequence: missense variant.
Genome position (GRCh38, 1-based): chr2:17,781,533, C>A. VCF-style: chr2-17781533-C-A. GRCh37 (hg19) VCF-style: chr2-17962800-C-A.
Other names: c.2321C>A, p.Ala774Asp (NM_182625.5); short protein forms A774D.
Identifiers: ClinVar variation 4029159 (VCV004029159.1).
Genomic context (GRCh38, chr2:17,781,533, plus strand): 5'-TCCCTTATTCTGTCAGTAACACAGTGGTAAAGACCTGCAATGTTAGACCACCAAATACTG[C>A]TTTAGATCATAGTAGAAAAGTTGATATGCAAACCACTCGGAAAATTTTAATGAAGAAGAG-3'
Protein context (NP_001123481.3, residues 764-784): KTCNVRPPNT[Ala774Asp]LDHSRKVDMQ